The following is an entry in ClinVar:

ClinVar aggregate classification (germline): Uncertain significance (1 of 4 stars; one submission).

Conditions:
Hereditary cancer-predisposing syndrome. Also called: Neoplastic Syndromes, Hereditary; Tumor predisposition; Hereditary neoplastic syndrome; Hereditary Cancer Syndrome. Identifiers: Orphanet 140162, MedGen C0027672, MeSH D009386, MONDO:0015356.

Submission:

Ambry Genetics
Classification: Uncertain significance for Hereditary cancer-predisposing syndrome. Last evaluated: 2022-12-03. Review status: criteria provided, single submitter. Criteria: Ambry Variant Classification Scheme 2023. Collection method: clinical testing. Allele origin: germline.
Comment: The p.K870R variant (also known as c.2609A>G), located in coding exon 25 of the RB1 gene, results from an A to G substitution at nucleotide position 2609. The lysine at codon 870 is replaced by arginine, an amino acid with highly similar properties. This amino acid position is conserved. In addition, the in silico prediction for this alteration is inconclusive. Since supporting evidence is limited at this time, the clinical significance of this alteration remains unclear.

NM_000321.3(RB1):c.2609A>G (p.Lys870Arg)

Gene: RB1 (RB transcriptional corepressor 1; plus strand). Cytogenetic location: 13q14.2.
Variant type: single nucleotide variant.
Coding change: c.2609A>G on transcript NM_000321.3 (MANE Select); coding-DNA position 2609, A replaced by G.
Protein change: p.Lys870Arg; replaces lysine 870 with arginine.
Molecular consequence: missense variant.
Genome position (GRCh38, 1-based): chr13:48,476,789, A>G. VCF-style: chr13-48476789-A-G. GRCh37 (hg19) VCF-style: chr13-49050925-A-G.
Other names: c.2609A>G, p.Lys870Arg (NM_001407165.1); c.59A>G, p.Lys20Arg (NM_001407168.1); short protein forms K870R, K20R.
Identifiers: ClinVar variation 2450502 (VCV002450502.2), dbSNP rs2138359375, ClinGen allele CA388157449.